The following is an entry in ClinVar:

NM_147127.5(EVC2):c.390dup (p.Ile131fs)

Gene: EVC2 (EvC ciliary complex subunit 2; minus strand). Cytogenetic location: 4p16.2.
Variant type: Duplication.
Coding change: c.390dup on transcript NM_147127.5 (MANE Select); coding-DNA position 390, one base duplicated (T; older notation c.390dupT).
Protein change: p.Ile131fs; shifts the reading frame from isoleucine 131.
Molecular consequence: frameshift variant.
Genome position (GRCh38, 1-based): chr4:5,694,395, A duplicated on the plus strand (T on the coding strand, the reverse complement: EVC2 is on the minus strand); the first of 4 consecutive A bases (chr4:5,694,395-5,694,398); duplicating any one gives the same sequence. VCF-style (leftmost placement, unchanged base first): chr4-5694394-T-TA. GRCh37 (hg19) VCF-style: chr4-5696121-T-TA.
Other names: c.150dup, p.Ile51fs (NM_001166136.2); short protein forms I51fs, I131fs.
Identifiers: ClinVar variation 1455363 (VCV001455363.7), dbSNP rs1253403779, ClinGen allele CA438205431.

ClinVar aggregate classification (germline): Pathogenic (1 of 4 stars; one submission).

Conditions:
Ellis-van Creveld syndrome (EVC). Also called: EVC-Related Ellis-van Creveld Syndrome; EVC2-Related Ellis-van Creveld Syndrome; MESOECTODERMAL DYSPLASIA; Chondroectodermal dysplasia. Identifiers: Orphanet 289, MedGen C0013903, MONDO:0009162, OMIM 225500.
Curry-Hall syndrome (WAD). Also called: WEYERS ACRODENTAL DYSOSTOSIS. Identifiers: Orphanet 952, MedGen C0457013, MONDO:0008673, OMIM 193530.

Submission:

Labcorp Genetics (formerly Invitae), Labcorp
Classification: Pathogenic for Curry-Hall syndrome; Ellis-van Creveld syndrome. Last evaluated: 2024-02-25. Review status: criteria provided, single submitter. Criteria: Invitae Variant Classification Sherloc (09022015). Collection method: clinical testing. Allele origin: germline.
Comment: This sequence change creates a premature translational stop signal (p.Ile131Tyrfs*6) in the EVC2 gene. It is expected to result in an absent or disrupted protein product. Loss-of-function variants in EVC2 are known to be pathogenic (PMID: 17024374, 19810119, 19876929). This variant is present in population databases (no rsID available, gnomAD 0.0009%). This variant has not been reported in the literature in individuals affected with EVC2-related conditions. ClinVar contains an entry for this variant (Variation ID: 1455363). For these reasons, this variant has been classified as Pathogenic.

Literature cited by the submitters: PubMed 17024374; PubMed 19810119; PubMed 19876929.